The following is an entry in ClinVar:

NM_014927.5(CNKSR2):c.1226A>G (p.Asp409Gly)

Gene: CNKSR2 (connector enhancer of kinase suppressor of Ras 2; plus strand). Cytogenetic location: Xp22.12.
Variant type: single nucleotide variant.
Coding change: c.1226A>G on transcript NM_014927.5 (MANE Select); coding-DNA position 1226, A replaced by G.
Protein change: p.Asp409Gly; replaces aspartic acid 409 with glycine.
Molecular consequence: missense variant.
Genome position (GRCh38, 1-based): chrX:21,531,990, A>G. VCF-style: chrX-21531990-A-G. GRCh37 (hg19) VCF-style: chrX-21550108-A-G.
Other names: c.1226A>G, p.Asp409Gly (NM_001168647.3, NM_001168648.3, NM_001330773.2); c.1079A>G, p.Asp360Gly (NM_001168649.3, NM_001330770.2, NM_001330771.2 and 1 more transcripts); short protein forms D360G, D409G.
Identifiers: ClinVar variation 4071897 (VCV004071897.1).
Genomic context (GRCh38, chrX:21,531,990, plus strand): 5'-AATCACCAAATTCATTTCTGGATCAGGAATATCGAAAGAGATTTAATATTGTCGAAGAAG[A>G]TACTGTCTTATATTGCTATGAATATGAAAAAGGAAGATCAAGTAGTCAAGGAAGACGAGA-3'
Protein context (NP_055742.2, residues 399-419): YRKRFNIVEE[Asp409Gly]TVLYCYEYEK

ClinVar aggregate classification (germline): Uncertain significance (1 of 4 stars; one submission).

Submission:

GeneDx
Classification: Uncertain significance. Last evaluated: 2025-01-25. Review status: criteria provided, single submitter. Criteria: GeneDx Variant Classification Process June 2021. Collection method: clinical testing. Allele origin: germline. Affected: yes.
Comment: Not observed at significant frequency in large population cohorts (gnomAD); In silico analysis supports that this missense variant has a deleterious effect on protein structure/function; Has not been previously published as pathogenic or benign to our knowledge